The following is an entry in ClinVar:

ClinVar aggregate classification (germline): Uncertain significance (1 of 4 stars; one submission).

Allele frequency attached by ClinVar (database versions not stated): TOPMed 0.00002; gnomAD 0.00004; gnomAD exomes 0.00004; ExAC 0.00006; ESP Exome Variant Server 0.00015.
gnomAD v4.1: 59 of 1,608,524 alleles (0.0037%); highest among the groups gnomAD compares: Non-Finnish European, 0.0047%; no homozygotes.

Submission:

CeGaT Center for Human Genetics Tuebingen
Classification: Uncertain significance. Last evaluated: 2024-05-01. Review status: criteria provided, single submitter. Criteria: CeGaT Center For Human Genetics Tuebingen Variant Classification Criteria Version 2. Collection method: clinical testing. Allele origin: germline. Affected: yes. Observed: 1 variant allele.
Comment: LAMA5: PM2:Supporting

NM_005560.6(LAMA5):c.8719G>A (p.Glu2907Lys)

Gene: LAMA5 (laminin subunit alpha 5; minus strand). Cytogenetic location: 20q13.33.
Variant type: single nucleotide variant.
Coding change: c.8719G>A on transcript NM_005560.6 (MANE Select); coding-DNA position 8719, G replaced by A.
Protein change: p.Glu2907Lys; replaces glutamic acid 2907 with lysine.
Molecular consequence: missense variant.
Genome position (GRCh38, 1-based): chr20:62,313,400, C>T on the plus strand (G>A on the coding strand, the complement: LAMA5 is on the minus strand). VCF-style: chr20-62313400-C-T. GRCh37 (hg19) VCF-style: chr20-60888456-C-T.
Other names: short protein forms E2907K.
Identifiers: ClinVar variation 3239031 (VCV003239031.19), dbSNP rs144495427.